The following is an entry in ClinVar:

ClinVar aggregate classification (germline): Likely benign (1 of 4 stars; one submission).

Allele frequency attached by ClinVar (database versions not stated): 1000 Genomes Project 30x 0.00453; 1000 Genomes Project 0.00499; gnomAD 0.00504; TOPMed 0.00602.
gnomAD v4.1: 1,550 of 1,583,590 alleles (0.098%); highest among the groups gnomAD compares: African/African-American, 1.9%; 13 homozygotes.

Submission:

GeneDx
Classification: Likely benign. Last evaluated: 2021-05-24. Review status: criteria provided, single submitter. Criteria: GeneDx Variant Classification Process June 2021. Collection method: clinical testing. Allele origin: germline. Affected: yes.
Comment: See Variant Classification Assertion Criteria.

NM_000395.3(CSF2RB):c.1013-61C>T

Gene: CSF2RB (colony stimulating factor 2 receptor subunit beta; plus strand). Cytogenetic location: 22q12.3.
Variant type: single nucleotide variant.
Coding change: c.1013-61C>T on transcript NM_000395.3 (MANE Select); 61 bases into the intron before coding-DNA position 1013, C replaced by T.
Molecular consequence: intron variant.
Genome position (GRCh38, 1-based): chr22:36,932,704, C>T. VCF-style: chr22-36932704-C-T. GRCh37 (hg19) VCF-style: chr22-37328746-C-T.
Identifiers: ClinVar variation 1706764 (VCV001706764.2), dbSNP rs143880702, ClinGen allele CA323996224.